The following is an entry in ClinVar:

ClinVar aggregate classification (germline): Uncertain significance (1 of 4 stars; one submission).

Conditions:
Hereditary cancer-predisposing syndrome. Also called: Hereditary Cancer Syndrome; Hereditary neoplastic syndrome; Tumor predisposition; Neoplastic Syndromes, Hereditary. Identifiers: Orphanet 140162, MedGen C0027672, MeSH D009386, MONDO:0015356.

Allele frequency attached by ClinVar (database versions not stated): gnomAD 0.00001.
gnomAD v4.1: 1 of 1,600,688 alleles (0.000062%); highest among the groups gnomAD compares: African/African-American, 0.0014%; no homozygotes.

Submission:

Ambry Genetics
Classification: Uncertain significance for Hereditary cancer-predisposing syndrome. Last evaluated: 2021-05-24. Review status: criteria provided, single submitter. Criteria: Ambry Variant Classification Scheme 2023. Collection method: clinical testing. Allele origin: germline.
Comment: The p.D82A variant (also known as c.245A>C), located in coding exon 1 of the MEN1 gene, results from an A to C substitution at nucleotide position 245. The aspartic acid at codon 82 is replaced by alanine, an amino acid with dissimilar properties. This amino acid position is not well conserved in available vertebrate species. In addition, the in silico prediction for this alteration is inconclusive. Since supporting evidence is limited at this time, the clinical significance of this alteration remains unclear.

NM_001370259.2(MEN1):c.245A>C (p.Asp82Ala)

Gene: MEN1 (menin 1; minus strand). Cytogenetic location: 11q13.1.
Variant type: single nucleotide variant.
Coding change: c.245A>C on transcript NM_001370259.2 (MANE Select); coding-DNA position 245, A replaced by C.
Protein change: p.Asp82Ala; replaces aspartic acid 82 with alanine.
Molecular consequence: missense variant.
Genome position (GRCh38, 1-based): chr11:64,809,865, T>G on the plus strand (A>C on the coding strand, the complement: MEN1 is on the minus strand). VCF-style: chr11-64809865-T-G. GRCh37 (hg19) VCF-style: chr11-64577337-T-G.
Other names: c.245A>C, p.Asp82Ala (NM_000244.4, NM_001370251.2, NM_001370260.2 and 20 more transcripts); short protein forms D82A.
Identifiers: ClinVar variation 1791595 (VCV001791595.2), dbSNP rs1174958165, ClinGen allele CA381187567.